The following is an entry in ClinVar:

ClinVar aggregate classification (germline): Uncertain significance (1 of 4 stars; one submission).

Conditions:
Clark-Baraitser syndrome. Also called: BARAITSER SYNDROME; Mental retardation, tall stature, obesity, macrocephaly and typical facial features; Intellectual disability, autosomal dominant 49; MENTAL RETARDATION, AUTOSOMAL DOMINANT 49. Identifiers: Orphanet 600731, MedGen C2931130, MONDO:0030914, OMIM 617752.

Allele frequency attached by ClinVar (database versions not stated): TOPMed below 0.00001; gnomAD exomes below 0.00001.
gnomAD v4.1: 4 of 1,614,190 alleles (0.00025%); highest among the groups gnomAD compares: South Asian, 0.0033%; no homozygotes.

Submission:

Neuberg Centre For Genomic Medicine, NCGM
Classification: Uncertain significance for Clark-Baraitser syndrome. Review status: criteria provided, single submitter. Criteria: ACMG Guidelines, 2015. Collection method: clinical testing. Allele origin: germline. Affected: yes.
Comment: The missense variant p.Q163L in TRIP12 (NM_001348323.1) has not been reported previously as a pathogenic variant nor as a benign variant, to our knowledge. The missense variant c.488A>T (p.Q163L) in TRIP12 (NM_001348323.1) is observed in 1/30616 (0.0033%) alleles from individuals of South Asian background in the gnomAD dataset (Exome Aggregation Consortium et al., 2016), but was not seen in the homozygous state. In silico tools are contradictory in their predictions (SIFT-Damaging, Polyphen-2 - Tolerated) and the residue is moderately conserved across species. For these reasons, this variant has been classified as Uncertain Significance.

NM_001348323.3(TRIP12):c.488A>T (p.Gln163Leu)

Gene: TRIP12 (thyroid hormone receptor interactor 12; minus strand). Cytogenetic location: 2q36.3.
Variant type: single nucleotide variant.
Coding change: c.488A>T on transcript NM_001348323.3 (MANE Select); coding-DNA position 488, A replaced by T.
Protein change: p.Gln163Leu; replaces glutamine 163 with leucine.
Molecular consequence: missense variant. On other transcripts: intron variant (1).
Genome position (GRCh38, 1-based): chr2:229,859,311, T>A on the plus strand (A>T on the coding strand, the complement: TRIP12 is on the minus strand). VCF-style: chr2-229859311-T-A. GRCh37 (hg19) VCF-style: chr2-230724027-T-A.
Other names: c.488A>T, p.Gln163Leu (NM_001284214.2, NM_001348315.2, NM_001348319.1 and 15 more transcripts); c.362A>T, p.Gln121Leu (NM_001284215.2, NM_001348316.2, NM_001348317.1 and 3 more transcripts); c.98+20671A>T (NM_001284216.2); short protein forms Q121L, Q163L.
Identifiers: ClinVar variation 1339175 (VCV001339175.2), dbSNP rs1295583557, ClinGen allele CA350897838.